The following is an entry in ClinVar:

ClinVar aggregate classification (germline): Uncertain significance (1 of 4 stars; one submission).

Conditions:
Brugada syndrome 8 (BRGDA8). Identifiers: Orphanet 130, MedGen C2751083, MONDO:0013148, OMIM 613123.

Allele frequency attached by ClinVar (database versions not stated): gnomAD exomes below 0.00001 and 0.00001.
gnomAD v4.1: 4 of 1,556,734 alleles (0.00026%); highest among the groups gnomAD compares: Admixed American, 0.0039%; no homozygotes.

Submission:

Labcorp Genetics (formerly Invitae), Labcorp
Classification: Uncertain significance for Brugada syndrome 8. Last evaluated: 2023-06-05. Review status: criteria provided, single submitter. Criteria: Invitae Variant Classification Sherloc (09022015). Collection method: clinical testing. Allele origin: germline.
Comment: In summary, the available evidence is currently insufficient to determine the role of this variant in disease. Therefore, it has been classified as a Variant of Uncertain Significance. Advanced modeling of protein sequence and biophysical properties (such as structural, functional, and spatial information, amino acid conservation, physicochemical variation, residue mobility, and thermodynamic stability) performed at Invitae indicates that this missense variant is not expected to disrupt HCN4 protein function. ClinVar contains an entry for this variant (Variation ID: 1516669). This variant has not been reported in the literature in individuals affected with HCN4-related conditions. This variant is present in population databases (no rsID available, gnomAD 0.004%). This sequence change replaces histidine, which is basic and polar, with arginine, which is basic and polar, at codon 1107 of the HCN4 protein (p.His1107Arg).

NM_005477.3(HCN4):c.3320A>G (p.His1107Arg)

Gene: HCN4 (hyperpolarization activated cyclic nucleotide gated potassium channel 4; minus strand). Cytogenetic location: 15q24.1.
Variant type: single nucleotide variant.
Coding change: c.3320A>G on transcript NM_005477.3 (MANE Select); coding-DNA position 3320, A replaced by G.
Protein change: p.His1107Arg; replaces histidine 1107 with arginine.
Molecular consequence: missense variant.
Genome position (GRCh38, 1-based): chr15:73,322,773, T>C on the plus strand (A>G on the coding strand, the complement: HCN4 is on the minus strand). VCF-style: chr15-73322773-T-C. GRCh37 (hg19) VCF-style: chr15-73615114-T-C.
Other names: short protein forms H1107R.
Identifiers: ClinVar variation 1516669 (VCV001516669.8), dbSNP rs761260529, ClinGen allele CA393085632.